The following is an entry in ClinVar:

NM_002458.3(MUC5B):c.9539C>T (p.Thr3180Met)

Genes: MUC5B (mucin 5B, oligomeric mucus/gel-forming; plus strand), MUC5B-AS1 (MUC5B antisense RNA 1; minus strand). Cytogenetic location: 11p15.5.
Variant type: single nucleotide variant.
Coding change: c.9539C>T on transcript NM_002458.3 (MANE Select); coding-DNA position 9539, C replaced by T.
Protein change: p.Thr3180Met; replaces threonine 3180 with methionine.
Molecular consequence: missense variant.
Genome position (GRCh38, 1-based): chr11:1,246,419, C>T. VCF-style: chr11-1246419-C-T. GRCh37 (hg19) VCF-style: chr11-1267649-C-T.
Other names: short protein forms T3180M.
Identifiers: ClinVar variation 2601034 (VCV002601034.27), dbSNP rs369158178, ClinGen allele CA5807043.

ClinVar aggregate classification (germline): Conflicting classifications of pathogenicity. Review status: criteria provided, conflicting classifications (1 of 4 stars). 2 submissions from 2 submitters: Uncertain significance (1); Benign (1). Last evaluated 2025-08-22.

Allele frequency attached by ClinVar (database versions not stated): 1000 Genomes Project 30x 0.00016; 1000 Genomes Project 0.00020.
gnomAD v4.1: 616 of 1,613,268 alleles (0.038%); highest among the groups gnomAD compares: Middle Eastern, 0.066%; no homozygotes.

Submissions (2):

Ambry Genetics
Classification: Uncertain significance. Last evaluated: 2025-08-22. Review status: criteria provided, single submitter. Criteria: Ambry Variant Classification Scheme 2023. Collection method: clinical testing. Allele origin: germline.

CeGaT Center for Human Genetics Tuebingen
Classification: Benign. Last evaluated: 2023-04-01. Review status: criteria provided, single submitter. Criteria: CeGaT Center For Human Genetics Tuebingen Variant Classification Criteria Version 2. Collection method: clinical testing. Allele origin: germline. Affected: yes. Observed: 1 variant allele.
Comment: MUC5B: BP4, BS1, BS2